The following is an entry in ClinVar:

ClinVar aggregate classification (germline): Uncertain significance (1 of 4 stars; one submission).

Submission:

Ambry Genetics
Classification: Uncertain significance. Last evaluated: 2025-10-25. Review status: criteria provided, single submitter. Criteria: Ambry Variant Classification Scheme 2023. Collection method: clinical testing. Allele origin: germline.
Comment: The p.K296R variant (also known as c.887A>G), located in coding exon 3 of the WNK2 gene, results from an A to G substitution at nucleotide position 887. The lysine at codon 296 is replaced by arginine, an amino acid with highly similar properties. This amino acid position is conserved. In addition, this alteration is predicted to be tolerated by in silico analysis. Based on the available evidence, the clinical significance of this variant remains unclear.

NM_006648.4(WNK2):c.887A>G (p.Lys296Arg)

Gene: WNK2 (WNK lysine deficient protein kinase 2; plus strand). Cytogenetic location: 9q22.31.
Variant type: single nucleotide variant.
Coding change: c.887A>G on transcript NM_006648.4 (MANE Select); coding-DNA position 887, A replaced by G.
Protein change: p.Lys296Arg; replaces lysine 296 with arginine.
Molecular consequence: missense variant.
Genome position (GRCh38, 1-based): chr9:93,230,920, A>G. VCF-style: chr9-93230920-A-G. GRCh37 (hg19) VCF-style: chr9-95993202-A-G.
Other names: c.887A>G, p.Lys296Arg (NM_001282394.3); short protein forms K296R.
Identifiers: ClinVar variation 4605296 (VCV004605296.1).
Genomic context (GRCh38, chr9:93,230,920, plus strand): 5'-GGTGAGCTGTGCCCGTGAACCCCTGCAGATACCTGAAGCGGTTCAAGGTGATGAAGCCCA[A>G]GGTTCTCCGCAGCTGGTGCCGGCAGATCCTGAAGGGCCTGCTGTTCCTGCACACAAGGAC-3'
Protein context (NP_006639.3, residues 286-306): YLKRFKVMKP[Lys296Arg]VLRSWCRQIL